The following is an entry in ClinVar:

NM_002936.6(RNASEH1):c.423C>T (p.Val141=)

Gene: RNASEH1 (ribonuclease H1; minus strand). Cytogenetic location: 2p25.3.
Variant type: single nucleotide variant.
Coding change: c.423C>T on transcript NM_002936.6 (MANE Select); coding-DNA position 423, C replaced by T.
Protein change: p.Val141=; no amino-acid change (valine 141 retained).
Molecular consequence: synonymous variant. On other transcripts: non-coding transcript variant (7).
Genome position (GRCh38, 1-based): chr2:3,550,459, G>A on the plus strand (C>T on the coding strand, the complement: RNASEH1 is on the minus strand). VCF-style: chr2-3550459-G-A. GRCh37 (hg19) VCF-style: chr2-3598049-G-A.
Other names: p.Val141=; c.423C>T (NM_002936.5); c.345C>T, p.Val115= (NM_001286834.3); c.72C>T, p.Val24= (NM_001286837.3); c.423C>T, p.Val141= (NM_001378271.1, NM_001378273.1); c.420C>T, p.Val140= (NM_001378272.1).
Identifiers: ClinVar variation 1642782 (VCV001642782.40), dbSNP rs149139207, ClinGen allele CA1516263.

ClinVar aggregate classification (germline): Likely benign. Review status: criteria provided, multiple submitters, no conflicts (2 of 4 stars). 3 submissions from 3 submitters: Likely benign (3). Last evaluated 2025-07-31.

Allele frequency attached by ClinVar (database versions not stated): gnomAD exomes below 0.00001; gnomAD 0.00006 and 0.00007; TOPMed 0.00006; ESP Exome Variant Server 0.00015; 1000 Genomes Project 30x 0.00016; 1000 Genomes Project 0.00020.
gnomAD v4.1: 18 of 1,613,884 alleles (0.0011%); highest among the groups gnomAD compares: African/African-American, 0.015%; no homozygotes.

Submissions (3):

Mayo Clinic Laboratories, Mayo Clinic
Classification: Likely benign. Last evaluated: 2025-07-31. Review status: criteria provided, single submitter. Criteria: ACMG Guidelines, 2015. Collection method: clinical testing. Allele origin: germline. Observed: 1 variant allele.
Comment: BP4, BP7

Labcorp Genetics (formerly Invitae), Labcorp
Classification: Likely benign. Last evaluated: 2023-10-05. Review status: criteria provided, single submitter. Criteria: Invitae Variant Classification Sherloc (09022015). Collection method: clinical testing. Allele origin: germline.

CeGaT Center for Human Genetics Tuebingen
Classification: Likely benign. Last evaluated: 2022-06-01. Review status: criteria provided, single submitter. Criteria: CeGaT Center For Human Genetics Tuebingen Variant Classification Criteria Version 2. Collection method: clinical testing. Allele origin: germline. Affected: yes. Observed: 1 variant allele.
Comment: RNASEH1: BP4, BP7